The following is an entry in ClinVar:

ClinVar aggregate classification (germline): Uncertain significance. Review status: criteria provided, multiple submitters, no conflicts (2 of 4 stars). 2 submissions from 2 submitters: Uncertain significance (2). Last evaluated 2025-04-02.

Conditions:
Inborn genetic diseases. Identifiers: MedGen C0950123, MeSH D030342.

Allele frequency attached by ClinVar (database versions not stated): TOPMed below 0.00001; gnomAD exomes 0.00001.
gnomAD v4.1: 16 of 1,614,088 alleles (0.00099%); highest among the groups gnomAD compares: Non-Finnish European, 0.0013%; no homozygotes.

Submissions (2):

Ambry Genetics
Classification: Uncertain significance for Inborn genetic diseases. Last evaluated: 2025-04-02. Review status: criteria provided, single submitter. Criteria: Ambry Variant Classification Scheme 2023. Collection method: clinical testing. Allele origin: germline.
Comment: The p.E1207Q variant (also known as c.3619G>C), located in coding exon 17 of the MECOM gene, results from a G to C substitution at nucleotide position 3619. The glutamic acid at codon 1207 is replaced by glutamine, an amino acid with highly similar properties. This amino acid position is conserved. In addition, this alteration is predicted to be tolerated by in silico analysis. Based on the available evidence, the clinical significance of this variant remains unclear.

Labcorp Genetics (formerly Invitae), Labcorp
Classification: Uncertain significance. Last evaluated: 2024-10-22. Review status: criteria provided, single submitter. Criteria: Invitae Variant Classification Sherloc (09022015). Collection method: clinical testing. Allele origin: germline.
Comment: This sequence change replaces glutamic acid, which is acidic and polar, with glutamine, which is neutral and polar, at codon 1019 of the MECOM protein (p.Glu1019Gln). This variant is not present in population databases (gnomAD no frequency). This variant has not been reported in the literature in individuals affected with MECOM-related conditions. An algorithm developed to predict the effect of missense changes on protein structure and function (PolyPhen-2) suggests that this variant is likely to be tolerated. In summary, the available evidence is currently insufficient to determine the role of this variant in disease. Therefore, it has been classified as a Variant of Uncertain Significance.

NM_004991.4(MECOM):c.3619G>C (p.Glu1207Gln)

Gene: MECOM (MDS1 and EVI1 complex locus; minus strand). Cytogenetic location: 3q26.2.
Variant type: single nucleotide variant.
Coding change: c.3619G>C on transcript NM_004991.4 (MANE Select); coding-DNA position 3619, G replaced by C.
Protein change: p.Glu1207Gln; replaces glutamic acid 1207 with glutamine.
Molecular consequence: missense variant.
Genome position (GRCh38, 1-based): chr3:169,085,010, C>G on the plus strand (G>C on the coding strand, the complement: MECOM is on the minus strand). VCF-style: chr3-169085010-C-G. GRCh37 (hg19) VCF-style: chr3-168802798-C-G.
Other names: c.3250G>C, p.Glu1084Gln (NM_001105077.4); c.3055G>C, p.Glu1019Gln (NM_001105078.4, NM_001205194.2, NM_001366469.2 and 1 more transcripts); c.3031G>C, p.Glu1011Gln (NM_001163999.2, NM_001366470.2); c.3028G>C, p.Glu1010Gln (NM_001164000.2, NM_001366471.2, NM_001366472.2); c.3592G>C, p.Glu1198Gln (NM_001366466.2); c.3058G>C, p.Glu1020Gln (NM_001366467.2, NM_001366468.2); c.2620G>C, p.Glu874Gln (NM_001366473.2); c.3619G>C (NM_004991.3); and 1 more; short protein forms E1011Q, E1020Q, E1019Q, E1084Q, E1207Q, E874Q, E1010Q, E1198Q.
Identifiers: ClinVar variation 2783359 (VCV002783359.5), dbSNP rs926147748, ClinGen allele CA87581837.